The following is an entry in ClinVar:

ClinVar aggregate classification (germline): Uncertain significance. Review status: criteria provided, multiple submitters, no conflicts (2 of 4 stars). 2 submissions from 2 submitters: Uncertain significance (2). Last evaluated 2024-03-03.

Conditions:
Ataxia-telangiectasia syndrome (AT). Also called: LOUIS-BAR SYNDROME; Ataxia-telangiectasia; Cerebello-oculocutaneous telangiectasia; Immunodeficiency with ataxia telangiectasia; ATAXIA-TELANGIECTASIA, COMPLEMENTATION GROUP A; ATAXIA-TELANGIECTASIA, FRESNO VARIANT. Identifiers: Orphanet 100, MedGen C0004135, MONDO:0008840, OMIM 208900.
Familial cancer of breast. Also called: BREAST CANCER, FAMILIAL; Hereditary breast cancer; hereditary breast carcinoma. Identifiers: Orphanet 227535, MedGen C0346153, MONDO:0016419, OMIM 114480. Disease mechanism: loss of function.

gnomAD v4.1: 5 of 1,614,082 alleles (0.00031%); highest among the groups gnomAD compares: Non-Finnish European, 0.00042%; no homozygotes.

Submissions (2):

Labcorp Genetics (formerly Invitae), Labcorp
Classification: Uncertain significance for Ataxia-telangiectasia syndrome. Last evaluated: 2024-03-03. Review status: criteria provided, single submitter. Criteria: Invitae Variant Classification Sherloc (09022015). Collection method: clinical testing. Allele origin: germline.
Comment: This sequence change replaces valine, which is neutral and non-polar, with phenylalanine, which is neutral and non-polar, at codon 682 of the ATM protein (p.Val682Phe). This variant is not present in population databases (gnomAD no frequency). This variant has not been reported in the literature in individuals affected with ATM-related conditions. ClinVar contains an entry for this variant (Variation ID: 1489968). Algorithms developed to predict the effect of missense changes on protein structure and function output the following: SIFT: "Not Available"; PolyPhen-2: "Benign"; Align-GVGD: "Not Available". The phenylalanine amino acid residue is found in multiple mammalian species, which suggests that this missense change does not adversely affect protein function. RNA analysis performed to evaluate the impact of this missense change on mRNA splicing indicates it does not significantly alter splicing (Invitae). In summary, the available evidence is currently insufficient to determine the role of this variant in disease. Therefore, it has been classified as a Variant of Uncertain Significance.

Baylor Genetics
Classification: Uncertain significance for Familial cancer of breast. Last evaluated: 2024-01-05. Review status: criteria provided, single submitter. Criteria: ACMG Guidelines, 2015. Collection method: clinical testing. Allele origin: unknown.

NM_000051.4(ATM):c.2044G>T (p.Val682Phe)

Gene: ATM (ATM serine/threonine kinase; plus strand). Cytogenetic location: 11q22.3.
Variant type: single nucleotide variant.
Coding change: c.2044G>T on transcript NM_000051.4 (MANE Select); coding-DNA position 2044, G replaced by T.
Protein change: p.Val682Phe; replaces valine 682 with phenylalanine.
Molecular consequence: missense variant.
Genome position (GRCh38, 1-based): chr11:108,253,959, G>T. VCF-style: chr11-108253959-G-T. GRCh37 (hg19) VCF-style: chr11-108124686-G-T.
Other names: c.2044G>T, p.Val682Phe (NM_001351834.2); short protein forms V682F.
Identifiers: ClinVar variation 1489968 (VCV001489968.9), dbSNP rs2135369797, ClinGen allele CA382537426.
Genomic context (GRCh38, chr11:108,253,959, plus strand): 5'-TTTTTAACCATTGTGAGAGAATGTGGTATAGAAAAGCACCAGTCCAGTATTGGCTTCTCT[G>T]TCCACCAGAATCTCAAGGAATCACTGGATCGCTGTCTTCTGGGATTATCAGAACAGCTTC-3'
Protein context (NP_000042.3, residues 672-692): EKHQSSIGFS[Val682Phe]HQNLKESLDR